The following is an entry in ClinVar:

NM_001079872.2(CUL4B):c.2652T>G (p.Asp884Glu)

Gene: CUL4B (cullin 4B; minus strand). Cytogenetic location: Xq24.
Variant type: single nucleotide variant.
Coding change: c.2652T>G on transcript NM_001079872.2 (MANE Select); coding-DNA position 2652, T replaced by G.
Protein change: p.Asp884Glu; replaces aspartic acid 884 with glutamic acid.
Molecular consequence: missense variant.
Genome position (GRCh38, 1-based): chrX:120,526,797, A>C on the plus strand (T>G on the coding strand, the complement: CUL4B is on the minus strand). VCF-style: chrX-120526797-A-C. GRCh37 (hg19) VCF-style: chrX-119660652-A-C.
Other names: c.2667T>G, p.Asp889Glu (NM_001330624.2); c.2118T>G, p.Asp706Glu (NM_001369145.1); c.2706T>G, p.Asp902Glu (NM_003588.4); short protein forms D706E, D884E, D889E, D902E.
Identifiers: ClinVar variation 1299250 (VCV001299250.1), dbSNP rs768424127, ClinGen allele CA10505392.

ClinVar aggregate classification (germline): Uncertain significance (1 of 4 stars; one submission).

Conditions:
X-linked intellectual disability Cabezas type (MRXSC). Also called: Intellectual developmental disorder, X-linked syndromic, Cabezas type; MENTAL RETARDATION, X-LINKED, SYNDROMIC 15; CABEZAS SYNDROME. Identifiers: Orphanet 85289, Orphanet 85293, MedGen C1845861, MONDO:0010306, OMIM 300354.

Allele frequency attached by ClinVar (database versions not stated): ExAC 0.00001.
gnomAD v4.1: 2 of 1,197,690 alleles (0.00017%); highest among the groups gnomAD compares: Admixed American, 0.0044%; no homozygotes.

Submission:

Breda Genetics srl
Classification: Uncertain significance for X-linked intellectual disability Cabezas type. Last evaluated: 2021-02-03. Review status: criteria provided, single submitter. Criteria: ACMG Guidelines, 2015. Collection method: clinical testing. Allele origin: maternal. Inheritance: X-linked recessive inheritance. Affected: yes. Observed: 1 variant allele, 1 heterozygote.
Comment: Based on allele frequency, in-silico prediction scores and a certain overlap with the clinical phenotype, we interpreted this variant at least as of uncertain significance. The lack of one or more of the following features has discouraged further investigations: lack of a possible second hit in autosomal recessive conditions, presence of healthy controls in databases for autosomal dominant conditions, presence of unmatching cardinal clinical features in the patient or in the known gene-disease association, and/or variant type outside the known gene mutational spectrum.